The following is an entry in ClinVar:

ClinVar aggregate classification (germline): Uncertain significance (1 of 4 stars; one submission).

Submission:

Labcorp Genetics (formerly Invitae), Labcorp
Classification: Uncertain significance. Last evaluated: 2022-01-01. Review status: criteria provided, single submitter. Criteria: Invitae Variant Classification Sherloc (09022015). Collection method: clinical testing. Allele origin: germline.
Comment: In summary, the available evidence is currently insufficient to determine the role of this variant in disease. Therefore, it has been classified as a Variant of Uncertain Significance. Algorithms developed to predict the effect of missense changes on protein structure and function are either unavailable or do not agree on the potential impact of this missense change (SIFT: "Not Available"; PolyPhen-2: "Probably Damaging"; Align-GVGD: "Not Available"). This variant has not been reported in the literature in individuals affected with LOX-related conditions. This variant is not present in population databases (gnomAD no frequency). This sequence change replaces tyrosine, which is neutral and polar, with cysteine, which is neutral and slightly polar, at codon 172 of the LOX protein (p.Tyr172Cys).

NM_002317.7(LOX):c.515A>G (p.Tyr172Cys)

Genes: LOX (lysyl oxidase; minus strand), SRFBP1 (serum response factor binding protein 1; plus strand). Cytogenetic location: 5q23.1.
Variant type: single nucleotide variant.
Coding change: c.515A>G on transcript NM_002317.7 (MANE Select); coding-DNA position 515, A replaced by G.
Protein change: p.Tyr172Cys; replaces tyrosine 172 with cysteine.
Molecular consequence: missense variant.
Genome position (GRCh38, 1-based): chr5:122,077,471, T>C on the plus strand (A>G on the coding strand, the complement: LOX is on the minus strand). VCF-style: chr5-122077471-T-C. GRCh37 (hg19) VCF-style: chr5-121413166-T-C.
Other names: short protein forms Y172C.
Identifiers: ClinVar variation 2068968 (VCV002068968.4), dbSNP rs2532916551, ClinGen allele CA360875802.